The following is an entry in ClinVar:

ClinVar aggregate classification (germline): Uncertain significance (1 of 4 stars; one submission).

Submission:

GeneDx
Classification: Uncertain significance. Last evaluated: 2022-08-30. Review status: criteria provided, single submitter. Criteria: GeneDx Variant Classification Process June 2021. Collection method: clinical testing. Allele origin: germline. Affected: yes.
Comment: Not observed at significant frequency in large population cohorts (gnomAD); Has not been previously published as pathogenic or benign to our knowledge; In-silico analysis is inconclusive as to whether the variant alters gene splicing. In the absence of RNA/functional studies, the actual effect of this sequence change is unknown.

NM_000138.5(FBN1):c.6379+5G>T

Gene: FBN1 (fibrillin 1; minus strand). Cytogenetic location: 15q21.1.
Variant type: single nucleotide variant.
Coding change: c.6379+5G>T on transcript NM_000138.5 (MANE Select); 5 bases into the intron after coding-DNA position 6379, G replaced by T.
Molecular consequence: intron variant.
Genome position (GRCh38, 1-based): chr15:48,437,317, C>A on the plus strand (G>T on the coding strand, the complement: FBN1 is on the minus strand). VCF-style: chr15-48437317-C-A. GRCh37 (hg19) VCF-style: chr15-48729514-C-A.
Identifiers: ClinVar variation 2442486 (VCV002442486.1), dbSNP rs1085307875, ClinGen allele CA2580089558.